The following is an entry in ClinVar:

NM_000132.4(F8):c.4254T>A (p.Ile1418=)

Gene: F8 (coagulation factor VIII; minus strand). Cytogenetic location: Xq28.
Variant type: single nucleotide variant.
Coding change: c.4254T>A on transcript NM_000132.4 (MANE Select); coding-DNA position 4254, T replaced by A.
Protein change: p.Ile1418=; no amino-acid change (isoleucine 1418 retained).
Molecular consequence: synonymous variant.
Genome position (GRCh38, 1-based): chrX:154,929,536, A>T on the plus strand (T>A on the coding strand, the complement: F8 is on the minus strand). VCF-style: chrX-154929536-A-T. GRCh37 (hg19) VCF-style: chrX-154157811-A-T.
Identifiers: ClinVar variation 2661865 (VCV002661865.24), dbSNP rs1557278465, ClinGen allele CA519718594.

ClinVar aggregate classification (germline): Likely benign (1 of 4 stars; one submission).

gnomAD v4.1: 1 of 1,210,124 alleles (0.000083%); highest among the groups gnomAD compares: Non-Finnish European, 0.00011%; no homozygotes.

Submission:

CeGaT Center for Human Genetics Tuebingen
Classification: Likely benign. Last evaluated: 2022-10-01. Review status: criteria provided, single submitter. Criteria: CeGaT Center For Human Genetics Tuebingen Variant Classification Criteria Version 2. Collection method: clinical testing. Allele origin: germline. Affected: yes. Observed: 1 variant allele.
Comment: F8: PM2:Supporting, BP4, BP7